The following is an entry in ClinVar:

ClinVar aggregate classification (germline): Uncertain significance (1 of 4 stars; one submission).

Conditions:
Dilated cardiomyopathy 1O (CMD1O). Also called: CARDIOMYOPATHY, DILATED, WITH VENTRICULAR TACHYCARDIA. Identifiers: Orphanet 154, MedGen C1837839, MONDO:0012062, OMIM 608569.

Allele frequency attached by ClinVar (database versions not stated): gnomAD exomes below 0.00001.
gnomAD v4.1: 3 of 1,612,686 alleles (0.00019%); highest among the groups gnomAD compares: Non-Finnish European, 0.00025%; no homozygotes.

Submission:

Labcorp Genetics (formerly Invitae), Labcorp
Classification: Uncertain significance for Dilated cardiomyopathy 1O. Last evaluated: 2021-08-27. Review status: criteria provided, single submitter. Criteria: Invitae Variant Classification Sherloc (09022015). Collection method: clinical testing. Allele origin: germline.
Comment: This sequence change replaces leucine with valine at codon 457 of the ABCC9 protein (p.Leu457Val). The leucine residue is moderately conserved and there is a small physicochemical difference between leucine and valine. This variant is not present in population databases (ExAC no frequency). This variant has not been reported in the literature in individuals affected with ABCC9-related conditions. Algorithms developed to predict the effect of missense changes on protein structure and function are either unavailable or do not agree on the potential impact of this missense change (SIFT: "Tolerated"; PolyPhen-2: "Possibly Damaging"; Align-GVGD: "Class C0"). In summary, the available evidence is currently insufficient to determine the role of this variant in disease. Therefore, it has been classified as a Variant of Uncertain Significance.

NM_020297.4(ABCC9):c.1369T>G (p.Leu457Val)

Gene: ABCC9 (ATP binding cassette subfamily C member 9; minus strand). Cytogenetic location: 12p12.1.
Variant type: single nucleotide variant.
Coding change: c.1369T>G on transcript NM_020297.4 (MANE Select); coding-DNA position 1369, T replaced by G.
Protein change: p.Leu457Val; replaces leucine 457 with valine.
Molecular consequence: missense variant.
Genome position (GRCh38, 1-based): chr12:21,908,163, A>C on the plus strand (T>G on the coding strand, the complement: ABCC9 is on the minus strand). VCF-style: chr12-21908163-A-C. GRCh37 (hg19) VCF-style: chr12-22061097-A-C.
Other names: c.1369T>G, p.Leu457Val (NM_001377273.1, NM_005691.4); c.505T>G, p.Leu169Val (NM_001377274.1); short protein forms L169V, L457V.
Identifiers: ClinVar variation 847023 (VCV000847023.4), dbSNP rs1307619597, ClinGen allele CA384140125.